The following is an entry in ClinVar:

NM_000548.5(TSC2):c.4041C>T (p.Leu1347=)

Gene: TSC2 (TSC complex subunit 2; plus strand). Cytogenetic location: 16p13.3.
Variant type: single nucleotide variant.
Coding change: c.4041C>T on transcript NM_000548.5 (MANE Select); coding-DNA position 4041, C replaced by T.
Protein change: p.Leu1347=; no amino-acid change (leucine 1347 retained).
Molecular consequence: synonymous variant.
Genome position (GRCh38, 1-based): chr16:2,084,263, C>T. VCF-style: chr16-2084263-C-T. GRCh37 (hg19) VCF-style: chr16-2134264-C-T.
Other names: c.3840C>T, p.Leu1280= (NM_001077183.3); c.3972C>T, p.Leu1324= (NM_001114382.3); c.3732C>T, p.Leu1244= (NM_001318827.2); c.3696C>T, p.Leu1232= (NM_001318829.2); c.3309C>T, p.Leu1103= (NM_001318831.2); c.3873C>T, p.Leu1291= (NM_001318832.2); c.3843C>T, p.Leu1281= (NM_001363528.2); c.3909C>T, p.Leu1303= (NM_001370404.1); and 1 more.
Identifiers: ClinVar variation 413714 (VCV000413714.20), dbSNP rs1060504109, ClinGen allele CA16615020.

ClinVar aggregate classification (germline): Benign/Likely benign. Review status: criteria provided, multiple submitters, no conflicts (2 of 4 stars). 7 submissions from 7 submitters: Benign (2); Likely benign (5). Last evaluated 2026-01-02.

Conditions:
Hereditary cancer-predisposing syndrome. Also called: Tumor predisposition; Neoplastic Syndromes, Hereditary; Hereditary Cancer Syndrome; Hereditary neoplastic syndrome. Identifiers: Orphanet 140162, MedGen C0027672, MeSH D009386, MONDO:0015356.
Tuberous sclerosis syndrome (TSC). Also called: Tuberous Sclerosis Complex; Tuberous sclerosis. Identifiers: Orphanet 805, MedGen C0041341, MONDO:0001734.
Tuberous sclerosis 2 (TSC2). Identifiers: Orphanet 805, MedGen C1860707, MONDO:0013199, OMIM 613254.

Allele frequency attached by ClinVar (database versions not stated): gnomAD exomes below 0.00001.
gnomAD v4.1: 20 of 1,607,580 alleles (0.0012%); highest among the groups gnomAD compares: Non-Finnish European, 0.0016%; no homozygotes.

Submissions (7):

Labcorp Genetics (formerly Invitae), Labcorp
Classification: Likely benign for Tuberous sclerosis 2. Last evaluated: 2026-01-02. Review status: criteria provided, single submitter. Criteria: Invitae Variant Classification Sherloc (09022015). Collection method: clinical testing. Allele origin: germline.

Myriad Genetics, Inc.
Classification: Benign for Tuberous sclerosis 2. Last evaluated: 2025-06-02. Review status: criteria provided, single submitter. Criteria: Myriad Autosomal Dominant, Autosomal Recessive and X-Linked Classification Criteria (2023). Collection method: clinical testing. Allele origin: unknown.
Comment: This variant is considered benign. This variant is a silent/synonymous amino acid change and it is not expected to impact splicing.

All of Us Research Program, National Institutes of Health
Classification: Likely benign for Tuberous sclerosis syndrome. Last evaluated: 2023-10-27. Review status: criteria provided, single submitter. Criteria: ACMG Guidelines, 2015. Collection method: clinical testing. Allele origin: germline. Inheritance: Autosomal dominant inheritance. Observed: 1 variant allele, 1 heterozygote.
Comment: This study involves interpretation of variants in research participants for the purpose of population health screening. Participant phenotype was not available at the time of variant classification. Additional details can be found in publication PMID: 35346344, PMCID: PMC8962531

Color Diagnostics, LLC DBA Color Health
Classification: Likely benign for Tuberous sclerosis syndrome. Last evaluated: 2022-10-05. Review status: criteria provided, single submitter. Criteria: ACMG Guidelines, 2015. Collection method: clinical testing. Allele origin: germline.

Genome-Nilou Lab
Classification: Benign for Tuberous sclerosis 2. Last evaluated: 2021-11-07. Review status: criteria provided, single submitter. Criteria: ACMG Guidelines, 2015. Collection method: clinical testing. Allele origin: germline. Affected: no.

Ambry Genetics
Classification: Likely benign for Hereditary cancer-predisposing syndrome. Last evaluated: 2020-02-26. Review status: criteria provided, single submitter. Criteria: Ambry Variant Classification Scheme 2023. Collection method: clinical testing. Allele origin: germline.

GeneDx
Classification: Likely benign. Last evaluated: 2018-06-08. Review status: criteria provided, single submitter. Criteria: GeneDx Variant Classification (06012015). Collection method: clinical testing. Allele origin: germline. Affected: yes.
Comment: This variant is considered likely benign or benign based on one or more of the following criteria: it is a conservative change, it occurs at a poorly conserved position in the protein, it is predicted to be benign by multiple in silico algorithms, and/or has population frequency not consistent with disease.